The following is an entry in ClinVar:

NM_001005373.4(LRSAM1):c.1082A>G (p.Asn361Ser)

Gene: LRSAM1 (leucine rich repeat and sterile alpha motif containing 1; plus strand). Cytogenetic location: 9q33.3.
Variant type: single nucleotide variant.
Coding change: c.1082A>G on transcript NM_001005373.4 (MANE Select); coding-DNA position 1082, A replaced by G.
Protein change: p.Asn361Ser; replaces asparagine 361 with serine.
Molecular consequence: missense variant. On other transcripts: non-coding transcript variant (2).
Genome position (GRCh38, 1-based): chr9:127,481,221, A>G. VCF-style: chr9-127481221-A-G. GRCh37 (hg19) VCF-style: chr9-130243500-A-G.
Other names: c.1082A>G, p.Asn361Ser (NM_001005374.4, NM_001190723.3, NM_001384142.1 and 2 more transcripts); c.293A>G, p.Asn98Ser (NM_001384144.1); short protein forms N361S, N98S.
Identifiers: ClinVar variation 1061020 (VCV001061020.9), dbSNP rs1835524861, ClinGen allele CA374931942.

ClinVar aggregate classification (germline): Uncertain significance (1 of 4 stars; one submission).

Conditions:
Charcot-Marie-Tooth disease axonal type 2P. Also called: Charcot-Marie-Tooth Neuropathy Type 2G; CHARCOT-MARIE-TOOTH NEUROPATHY, TYPE 2P; CHARCOT-MARIE-TOOTH DISEASE, AXONAL, TYPE 2G; CMT 2G. Identifiers: Orphanet 300319, Orphanet 99941, MedGen C3280797, MONDO:0013753, OMIM 614436.

Submission:

Labcorp Genetics (formerly Invitae), Labcorp
Classification: Uncertain significance for Charcot-Marie-Tooth disease axonal type 2P. Last evaluated: 2025-03-10. Review status: criteria provided, single submitter. Criteria: Invitae Variant Classification Sherloc (09022015). Collection method: clinical testing. Allele origin: germline.
Comment: This sequence change replaces asparagine, which is neutral and polar, with serine, which is neutral and polar, at codon 361 of the LRSAM1 protein (p.Asn361Ser). This variant is not present in population databases (gnomAD no frequency). This variant has not been reported in the literature in individuals affected with LRSAM1-related conditions. ClinVar contains an entry for this variant (Variation ID: 1061020). Invitae Evidence Modeling of protein sequence and biophysical properties (such as structural, functional, and spatial information, amino acid conservation, physicochemical variation, residue mobility, and thermodynamic stability) indicates that this missense variant is not expected to disrupt LRSAM1 protein function with a negative predictive value of 80%. In summary, the available evidence is currently insufficient to determine the role of this variant in disease. Therefore, it has been classified as a Variant of Uncertain Significance.